The following is an entry in ClinVar:

NM_000094.4(COL7A1):c.8144G>C (p.Ser2715Thr)

Gene: COL7A1 (collagen type VII alpha 1 chain; minus strand). Cytogenetic location: 3p21.31.
Variant type: single nucleotide variant.
Coding change: c.8144G>C on transcript NM_000094.4 (MANE Select); coding-DNA position 8144, G replaced by C.
Protein change: p.Ser2715Thr; replaces serine 2715 with threonine.
Molecular consequence: missense variant.
Genome position (GRCh38, 1-based): chr3:48,566,989, C>G on the plus strand (G>C on the coding strand, the complement: COL7A1 is on the minus strand). VCF-style: chr3-48566989-C-G. GRCh37 (hg19) VCF-style: chr3-48604422-C-G.
Other names: short protein forms S2715T.
Identifiers: ClinVar variation 3620227 (VCV003620227.2).

ClinVar aggregate classification (germline): Uncertain significance (1 of 4 stars; one submission).

gnomAD v4.1: 4 of 1,612,454 alleles (0.00025%); highest among the groups gnomAD compares: Non-Finnish European, 0.00025%; no homozygotes.

Submission:

Labcorp Genetics (formerly Invitae), Labcorp
Classification: Uncertain significance. Last evaluated: 2024-11-03. Review status: criteria provided, single submitter. Criteria: Invitae Variant Classification Sherloc (09022015). Collection method: clinical testing. Allele origin: germline.
Comment: This sequence change replaces serine, which is neutral and polar, with threonine, which is neutral and polar, at codon 2715 of the COL7A1 protein (p.Ser2715Thr). This variant is not present in population databases (gnomAD no frequency). This variant has not been reported in the literature in individuals affected with COL7A1-related conditions. Invitae Evidence Modeling of protein sequence and biophysical properties (such as structural, functional, and spatial information, amino acid conservation, physicochemical variation, residue mobility, and thermodynamic stability) indicates that this missense variant is not expected to disrupt COL7A1 protein function with a negative predictive value of 95%. In summary, the available evidence is currently insufficient to determine the role of this variant in disease. Therefore, it has been classified as a Variant of Uncertain Significance.